The following is an entry in ClinVar:

ClinVar aggregate classification (germline): Pathogenic (1 of 4 stars; one submission).

Conditions:
Renal carnitine transport defect (CDSP). Also called: Primary carnitine deficiency; CARNITINE DEFICIENCY, SYSTEMIC, DUE TO DEFECT IN RENAL REABSORPTION OF CARNITINE; CARNITINE TRANSPORTER, PLASMA-MEMBRANE, DEFICIENCY OF; CARNITINE UPTAKE DEFECT; Systemic primary carnitine deficiency; Systemic primary carnitine deficiency disease. Identifiers: Orphanet 158, MedGen C0342788, MONDO:0008919, OMIM 212140.

Submission:

Labcorp Genetics (formerly Invitae), Labcorp
Classification: Pathogenic for Renal carnitine transport defect. Last evaluated: 2021-12-09. Review status: criteria provided, single submitter. Criteria: Invitae Variant Classification Sherloc (09022015). Collection method: clinical testing. Allele origin: germline.
Comment: For these reasons, this variant has been classified as Pathogenic. Algorithms developed to predict the effect of sequence changes on RNA splicing suggest that this variant may create or strengthen a splice site. ClinVar contains an entry for this variant (Variation ID: 460392). This variant has not been reported in the literature in individuals affected with SLC22A5-related conditions. This variant is not present in population databases (gnomAD no frequency). This sequence change creates a premature translational stop signal (p.Trp391*) in the SLC22A5 gene. It is expected to result in an absent or disrupted protein product. Loss-of-function variants in SLC22A5 are known to be pathogenic (PMID: 9916797).

Literature cited by the submitters: PubMed 9916797.

NM_003060.4(SLC22A5):c.1172G>A (p.Trp391Ter)

Gene: SLC22A5 (solute carrier family 22 member 5; plus strand). Cytogenetic location: 5q31.1.
Variant type: single nucleotide variant.
Coding change: c.1172G>A on transcript NM_003060.4 (MANE Select); coding-DNA position 1172, G replaced by A.
Protein change: p.Trp391Ter; replaces tryptophan 391 with a stop codon.
Molecular consequence: nonsense.
Genome position (GRCh38, 1-based): chr5:132,390,809, G>A. VCF-style: chr5-132390809-G-A. GRCh37 (hg19) VCF-style: chr5-131726501-G-A.
Other names: c.1244G>A, p.Trp415Ter (NM_001308122.2); short protein forms W391*, W415*.
Identifiers: ClinVar variation 460392 (VCV000460392.6), dbSNP rs1554088165, ClinGen allele CA360807677.